The following is an entry in ClinVar:

NC_000022.10:g.(?_50512625)_(50518846_?)del

Gene: MLC1 (modulator of VRAC current 1; minus strand). Cytogenetic location: 22q13.33.
Variant type: Deletion.
Identifiers: ClinVar variation 3248123 (VCV003248123.1).

ClinVar aggregate classification (germline): Pathogenic (1 of 4 stars; one submission).

Submission:

Labcorp Genetics (formerly Invitae), Labcorp
Classification: Pathogenic. Last evaluated: 2022-12-08. Review status: criteria provided, single submitter. Criteria: Invitae Variant Classification Sherloc (09022015). Collection method: clinical testing. Allele origin: unknown.
Comment: For these reasons, this variant has been classified as Pathogenic. This variant disrupts a region of the MLC1 protein in which other variant(s) (p.Gly212Arg) have been determined to be pathogenic (PMID: 11254442, 18757878, 21145992, 27322623). This suggests that this is a clinically significant region of the protein, and that variants that disrupt it are likely to be disease-causing. This variant has not been reported in the literature in individuals affected with MLC1-related conditions. This variant is a gross deletion of the genomic region encompassing exon(s) 4-8 of the MLC1 gene. This variant would be expected to be in-frame, preserving the integrity of the reading frame.

Literature cited by the submitters: PubMed 11254442; PubMed 18757878; PubMed 21145992; PubMed 27322623.